The following is an entry in ClinVar:

ClinVar aggregate classification (germline): Pathogenic/Likely pathogenic. Review status: criteria provided, multiple submitters, no conflicts (2 of 4 stars). 13 submissions from 13 submitters: Pathogenic (8); Likely pathogenic (2). 3 of the submissions do not count toward it. Last evaluated 2025-06-29.

Conditions:
Tubulinopathy-associated dysgyria. Identifiers: Orphanet 467166, MedGen C5568850, MONDO:0018763.
Tubulinopathy. Also called: Tubulinopathies. Identifiers: MedGen CN850169, MONDO:0100153.
TUBA1A-related disorder. Also called: TUBA1A-related condition.
Neurodevelopmental disorder. Identifiers: MedGen C1535926, MeSH D065886, MONDO:0700092.
Global developmental delay (DD). Also called: Cognitive delay. Identifiers: MedGen C0557874, HP:0001263. Disease mechanism: loss of function.
Seizure. Also called: Seizures. Identifiers: MedGen C0036572, HP:0001250.
Decreased head circumference. Identifiers: MedGen C0424688, HP:0040195.
Inborn genetic diseases. Identifiers: MedGen C0950123, MeSH D030342.
Lissencephaly due to TUBA1A mutation (CDCBM16). Also called: CORTICAL DYSPLASIA, COMPLEX, WITH OTHER BRAIN MALFORMATIONS 16; Lissencephaly 3. Identifiers: Orphanet 171680, MedGen C4305153, MONDO:0012703, OMIM 611603.

Submissions (13):

Labcorp Genetics (formerly Invitae), Labcorp
Classification: Pathogenic. Last evaluated: 2025-06-29. Review status: criteria provided, single submitter. Criteria: Invitae Variant Classification Sherloc (09022015). Collection method: clinical testing. Allele origin: germline.
Comment: This sequence change replaces arginine, which is basic and polar, with histidine, which is basic and polar, at codon 2 of the TUBA1A protein (p.Arg2His). This variant is not present in population databases (gnomAD no frequency). This missense change has been observed in individual(s) with tubulinopathy (PMID: 30087272). In at least one individual the variant was observed to be de novo. ClinVar contains an entry for this variant (Variation ID: 160161). An algorithm developed to predict the effect of missense changes on protein structure and function (PolyPhen-2) suggests that this variant is likely to be disruptive. Experimental studies have shown that this missense change affects TUBA1A function (PMID: 30087272). For these reasons, this variant has been classified as Pathogenic.

Ambry Genetics
Classification: Pathogenic for Inborn genetic diseases. Last evaluated: 2025-03-26. Review status: criteria provided, single submitter. Criteria: Ambry Variant Classification Scheme 2023. Collection method: clinical testing. Allele origin: germline.
Comment: The c.5G>A (p.R2H) alteration is located in exon 2 (coding exon 2) of the TUBA1A gene. This alteration results from a G to A substitution at nucleotide position 5, causing the arginine (R) at amino acid position 2 to be replaced by a histidine (H). This variant was not reported in population-based cohorts in the Genome Aggregation Database (gnomAD). This variant was determined to be de novo in at least one individual with features consistent with TUBA1A-related tubulinopathy (Srivastava, 2014; Alby, 2016; Gardner, 2018; Stutterd, 2021; Schr&ouml;ter, 2022; Ambry internal data). This amino acid position is highly conserved in available vertebrate species. This missense alteration is located in a region that has a low rate of benign missense variation (Lek, 2016; Firth, 2009). This alteration is predicted to be deleterious by in silico analysis. Based on the available evidence, this alteration is classified as pathogenic.

Victorian Clinical Genetics Services, Murdoch Childrens Research Institute
Classification: Pathogenic for Lissencephaly due to TUBA1A mutation. Last evaluated: 2023-07-17. Review status: criteria provided, single submitter. Criteria: ACMG Guidelines, 2015. Collection method: clinical testing. Allele origin: germline. Inheritance: Autosomal dominant inheritance. Affected: yes.
Comment: Based on the classification scheme VCGS_Germline_v1.3.4, this variant is classified as Pathogenic. Following criteria are met: 0104 - Dominant negative is a known mechanism of disease in this gene and is associated with lissencephaly 3, resulting in defects in protein stability (MIM#61160; PMIDs: 20466733, 30517687). (I) 0107 - This gene is associated with autosomal dominant disease. (I) 0200 - Variant is predicted to result in a missense amino acid change from arginine to histidine. (I) 0251 - This variant is heterozygous. (I) 0301 - Variant is absent from gnomAD (both v2 and v3). (SP) 0504 - Same amino acid change has been observed in placental mammals. (SB) 0603 - Missense variant in a region that is highly intolerant to missense variation (high constraint region in DECIPHER). (SP) 0704 - Another missense variant comparable to the one identified in this case has limited previous evidence for pathogenicity. An alternative change to serine at the same residue has been reported as pathogenic (ClinVar). (SP). 0801 - Strong previous evidence of pathogenicity in unrelated individuals. This variant has been reported as a recurrent pathogenic variant in patients with shared features including developmental delay, microcephaly, hypoplasia and thinning of the corpus callosum (ClinVar; LOVD; PMID: 30087272). (SP) 1002 - This variant has moderate functional evidence supporting abnormal protein function. Functional and computer modelling suggest that p.(Arg2His) has subtle effects on microtubule function, possibly acting at the interdimer interface (PMID: 30087272). (SP) Legend: (SP) - Supporting pathogenic, (I) - Information, (SB) - Supporting benign

GeneDx
Classification: Pathogenic. Last evaluated: 2023-05-15. Review status: criteria provided, single submitter. Criteria: GeneDx Variant Classification Process June 2021. Collection method: clinical testing. Allele origin: germline. Affected: yes.
Comment: The majority of missense variants in this gene are considered pathogenic (HGMD); In silico analysis, which includes protein predictors and evolutionary conservation, supports a deleterious effect; This variant is associated with the following publications: (PMID: 30744660, 34490615, 30087272, 25131622, 25356970, 31696992, 32581362, 34402213, 33604570, 24077912, 35017693)

Center for Pediatrics and Adolescent Medicine, University Hospital Heidelberg
Classification: Pathogenic for Tubulinopathy-associated dysgyria. Last evaluated: 2021-11-01. Review status: criteria provided, single submitter. Criteria: ACMG Guidelines, 2015. Collection method: research. Allele origin: de novo. Inheritance: Autosomal dominant inheritance. Affected: yes. Observed: 1 heterozygote. Segregation with disease not observed.

Blueprint Genetics
Classification: Pathogenic for TUBA1A-related disorders. Last evaluated: 2020-11-02. Review status: criteria provided, single submitter. Criteria: ACMG Guidelines, 2015. Collection method: clinical testing. Allele origin: germline. Affected: yes. Observed: 1 variant allele.

Laboratory of Molecular Genetics (Pr. Bezieau's lab), CHU de Nantes
Classification: Pathogenic for Neurodevelopmental disorder. Last evaluated: 2020-10-27. Review status: criteria provided, single submitter. Criteria: ACMG Guidelines, 2015. Collection method: clinical testing. Allele origin: germline. Affected: yes.

Institute of Human Genetics, FAU Erlangen, Friedrich-Alexander-Universität Erlangen-Nürnberg
Classification: Likely pathogenic for Tubulinopathies. Last evaluated: 2018-07-01. Review status: criteria provided, single submitter. Criteria: ACMG Guidelines, 2015. Collection method: literature only. Allele origin: germline. Affected: yes. Observed: 1 variant allele.
Comment: The c.5G>A, p.(Arg2His) variant has been reported as a variant of germline/unknown origin.

Genetic Services Laboratory, University of Chicago
Classification: Likely pathogenic for Lissencephaly 3. Last evaluated: 2013-10-09. Review status: criteria provided, single submitter. Criteria: ACMG Guidelines, 2007. Collection method: clinical testing. Allele origin: germline. Inheritance: Autosomal dominant inheritance. Affected: yes.

Child Neurology Department, Hôpital Universitaire de Bruxelles
Classification: Pathogenic for Lissencephaly due to TUBA1A mutation. Review status: criteria provided, single submitter. Criteria: ACMG Guidelines, 2015. Collection method: clinical testing. Allele origin: de novo. Affected: yes.

PreventionGenetics, part of Exact Sciences
Classification: Pathogenic for TUBA1A-related condition. Last evaluated: 2024-01-02. Review status: no assertion criteria provided. Collection method: clinical testing. Allele origin: germline. Not counted in ClinVar's aggregate classification.
Comment: The TUBA1A c.5G>A variant is predicted to result in the amino acid substitution p.Arg2His. This variant has been reported as a reoccurring de novo variant in multiple individuals with lissencephaly (see for example, Table 1, Gardner et al. 2018. PubMed ID: 30087272; Table 1, Stutterd et al. 2020. PubMed ID: 33604570; Table 1, Schröter et al. 2022. PubMed ID: 35017693). This variant has not been reported in a large population database, indicating this variant is rare. This variant is interpreted as pathogenic.

Biochemical Molecular Genetic Laboratory, King Abdulaziz Medical City
Classification: Pathogenic for Lissencephaly due to TUBA1A mutation. Last evaluated: 2019-09-26. Review status: no assertion criteria provided. Collection method: clinical testing. Allele origin: germline. Affected: yes. Not counted in ClinVar's aggregate classification.

NIHR Bioresource Rare Diseases, University of Cambridge
Classification: Likely pathogenic for Decreased head circumference; Seizure; Global developmental delay. Review status: no assertion criteria provided. Collection method: research. Allele origin: unknown. Affected: yes. Observed: 1 variant allele. Not counted in ClinVar's aggregate classification.

Literature cited by the submitters: PubMed 30087272 (cited by 5 submitters); PubMed 25131622 (cited by Ambry Genetics and Center for Pediatrics and Adolescent Medicine, University Hospital Heidelberg); PubMed 26663670 (cited by Ambry Genetics); PubMed 33604570 (cited by Ambry Genetics and Center for Pediatrics and Adolescent Medicine, University Hospital Heidelberg); PubMed 35017693 (cited by Ambry Genetics); PubMed 20466733 (cited by Victorian Clinical Genetics Services, Murdoch Childrens Research Institute); PubMed 30517687 (cited by Victorian Clinical Genetics Services, Murdoch Childrens Research Institute); PubMed 31696992 (cited by Center for Pediatrics and Adolescent Medicine, University Hospital Heidelberg); PubMed 30744660 (cited by Institute of Human Genetics, FAU Erlangen, Friedrich-Alexander-Universität Erlangen-Nürnberg); DOI 10.1101/427948 (cited by Institute of Human Genetics, FAU Erlangen, Friedrich-Alexander-Universität Erlangen-Nürnberg); PubMed 32581362 (cited by NIHR Bioresource Rare Diseases, University of Cambridge).

NM_006009.4(TUBA1A):c.5G>A (p.Arg2His)

Gene: TUBA1A (tubulin alpha 1a; minus strand). Cytogenetic location: 12q13.12.
Variant type: single nucleotide variant.
Coding change: c.5G>A on transcript NM_006009.4 (MANE Select); coding-DNA position 5, G replaced by A.
Protein change: p.Arg2His; replaces arginine 2 with histidine.
Molecular consequence: missense variant. On other transcripts: 5 prime UTR variant (1).
Genome position (GRCh38, 1-based): chr12:49,186,832, C>T on the plus strand (G>A on the coding strand, the complement: TUBA1A is on the minus strand). VCF-style: chr12-49186832-C-T. GRCh37 (hg19) VCF-style: chr12-49580615-C-T.
Other names: c.5G>A, p.Arg2His (NM_001270399.2); c.-101G>A (NM_001270400.2); short protein forms R2H.
Identifiers: ClinVar variation 160161 (VCV000160161.32), dbSNP rs587784491, ClinGen allele CA204630.
Genomic context (GRCh38, chr12:49,186,832, plus strand): 5'-TCCCAGCAGGCATTGCCAATCTGGACACCAGCCTGGCCAACGTGGATGGAGATGCACTCA[C>T]GCTGTGGGGAGGAAAAGTGAAAAAATCGTAAAATTAAGGTGTATTAGCATTTCAAACTTA-3'
Protein context (NP_006000.2, residues 1-12): M[Arg2His]ECISIHVGQA